The following is an entry in ClinVar:

NM_003982.4(SLC7A7):c.339A>C (p.Gly113=)

Gene: SLC7A7 (solute carrier family 7 member 7; minus strand). Cytogenetic location: 14q11.2.
Variant type: single nucleotide variant.
Coding change: c.339A>C on transcript NM_003982.4 (MANE Select); coding-DNA position 339, A replaced by C.
Protein change: p.Gly113=; no amino-acid change (glycine 113 retained).
Molecular consequence: synonymous variant.
Genome position (GRCh38, 1-based): chr14:22,813,060, T>G on the plus strand (A>C on the coding strand, the complement: SLC7A7 is on the minus strand). VCF-style: chr14-22813060-T-G. GRCh37 (hg19) VCF-style: chr14-23282269-T-G.
Other names: c.339A>C, p.Gly113= (NM_001126105.3, NM_001126106.4).
Identifiers: ClinVar variation 312826 (VCV000312826.29), dbSNP rs139270936, ClinGen allele CA7104728.

ClinVar aggregate classification (germline): Conflicting classifications of pathogenicity. Review status: criteria provided, conflicting classifications (1 of 4 stars). 8 submissions from 8 submitters: Uncertain significance (1); Likely benign (6). 1 of the submissions does not count toward it. Last evaluated 2026-01-20.

Conditions:
Lysinuric protein intolerance (LPI). Identifiers: Orphanet 470, MedGen C0268647, MONDO:0009109, OMIM 222700.

Allele frequency attached by ClinVar (database versions not stated): ESP Exome Variant Server 0.00008; gnomAD 0.00012 and 0.00013; TOPMed 0.00019; ExAC 0.00024; gnomAD exomes 0.00029.
gnomAD v4.1: 278 of 1,613,902 alleles (0.017%); highest among the groups gnomAD compares: Middle Eastern, 0.13%; no homozygotes.

Submissions (8):

Labcorp Genetics (formerly Invitae), Labcorp
Classification: Likely benign for Lysinuric protein intolerance. Last evaluated: 2026-01-20. Review status: criteria provided, single submitter. Criteria: Invitae Variant Classification Sherloc (09022015). Collection method: clinical testing. Allele origin: germline.

CeGaT Center for Human Genetics Tuebingen
Classification: Likely benign. Last evaluated: 2025-12-01. Review status: criteria provided, single submitter. Criteria: CeGaT Center For Human Genetics Tuebingen Variant Classification Criteria Version 2. Collection method: clinical testing. Allele origin: germline. Affected: yes. Observed: 2 variant alleles.
Comment: SLC7A7: BP4, BP7

Blueprint Genetics
Classification: Likely benign. Last evaluated: 2024-08-30. Review status: criteria provided, single submitter. Criteria: ACMG Guidelines, 2015. Collection method: clinical testing. Allele origin: germline.

Genome-Nilou Lab
Classification: Likely benign for Lysinuric protein intolerance. Last evaluated: 2021-07-22. Review status: criteria provided, single submitter. Criteria: ACMG Guidelines, 2015. Collection method: clinical testing. Allele origin: germline. Affected: no.

Pars Genome Lab
Classification: Likely benign for Lysinuric protein intolerance. Last evaluated: 2021-05-18. Review status: criteria provided, single submitter. Criteria: ACMG Guidelines, 2015. Collection method: clinical testing. Allele origin: germline. Affected: no.

GeneDx
Classification: Likely benign. Last evaluated: 2018-03-14. Review status: criteria provided, single submitter. Criteria: GeneDx Variant Classification (06012015). Collection method: clinical testing. Allele origin: germline. Affected: yes.
Comment: This variant is considered likely benign or benign based on one or more of the following criteria: it is a conservative change, it occurs at a poorly conserved position in the protein, it is predicted to be benign by multiple in silico algorithms, and/or has population frequency not consistent with disease.

Illumina Laboratory Services, Illumina
Classification: Uncertain significance for Lysinuric protein intolerance. Last evaluated: 2018-01-12. Review status: criteria provided, single submitter. Criteria: ICSL Variant Classification Criteria 13 December 2019. Collection method: clinical testing. Allele origin: germline.

Natera, Inc.
Classification: Likely benign for Lysinuric protein intolerance. Last evaluated: 2020-04-17. Review status: no assertion criteria provided. Collection method: clinical testing. Allele origin: germline. Not counted in ClinVar's aggregate classification.